The following is an entry in ClinVar:

NM_001267727.2(ARSG):c.505G>A (p.Asp169Asn)

Gene: ARSG (arylsulfatase G; plus strand). Cytogenetic location: 17q24.2.
Variant type: single nucleotide variant.
Coding change: c.505G>A on transcript NM_001267727.2 (MANE Select); coding-DNA position 505, G replaced by A.
Protein change: p.Asp169Asn; replaces aspartic acid 169 with asparagine.
Molecular consequence: missense variant.
Genome position (GRCh38, 1-based): chr17:68,351,625, G>A. VCF-style: chr17-68351625-G-A. GRCh37 (hg19) VCF-style: chr17-66347766-G-A.
Other names: c.505G>A, p.Asp169Asn (NM_001352899.2, NM_001352900.2, NM_001352901.2 and 8 more transcripts); c.457G>A, p.Asp153Asn (NM_001352909.2); short protein forms D169N, D153N.
Identifiers: ClinVar variation 1474664 (VCV001474664.6), dbSNP rs2146380403, ClinGen allele CA400741303.
Genomic context (GRCh38, chr17:68,351,625, plus strand): 5'-TCTATTCCAGGTTTTGATTACTACTTTGGAATCCCATATAGCCATGATATGGGCTGTACT[G>A]ATACTCCAGGCTACAACCACCCTCCTTGTCCAGCGTGTCCACAGGGTGATGGACCATCAA-3'
Protein context (NP_001254656.1, residues 159-179): IPYSHDMGCT[Asp169Asn]TPGYNHPPCP

ClinVar aggregate classification (germline): Uncertain significance (1 of 4 stars; one submission).

Submission:

Labcorp Genetics (formerly Invitae), Labcorp
Classification: Uncertain significance. Last evaluated: 2022-02-24. Review status: criteria provided, single submitter. Criteria: Invitae Variant Classification Sherloc (09022015). Collection method: clinical testing. Allele origin: germline.
Comment: This sequence change replaces aspartic acid, which is acidic and polar, with asparagine, which is neutral and polar, at codon 169 of the ARSG protein (p.Asp169Asn). This variant is not present in population databases (gnomAD no frequency). Algorithms developed to predict the effect of missense changes on protein structure and function (SIFT, PolyPhen-2, Align-GVGD) all suggest that this variant is likely to be tolerated. Algorithms developed to predict the effect of sequence changes on RNA splicing suggest that this variant may disrupt the consensus splice site. This variant has not been reported in the literature in individuals affected with ARSG-related conditions. In summary, the available evidence is currently insufficient to determine the role of this variant in disease. Therefore, it has been classified as a Variant of Uncertain Significance.